The following is an entry in ClinVar:

NM_024675.4(PALB2):c.472del (p.Gln158fs)

Gene: PALB2 (partner and localizer of BRCA2; minus strand). Cytogenetic location: 16p12.2.
Variant type: Deletion.
Coding change: c.472del on transcript NM_024675.4 (MANE Select); coding-DNA position 472, one base deleted (C; older notation c.472delC).
Protein change: p.Gln158fs; shifts the reading frame from glutamine 158.
Molecular consequence: frameshift variant. On other transcripts: 5 prime UTR variant (8), intron variant (3).
Genome position (GRCh38, 1-based): chr16:23,636,074, G deleted on the plus strand (C on the coding strand, the reverse complement: PALB2 is on the minus strand). VCF-style (leftmost placement, unchanged base first): chr16-23636073-TG-T. GRCh37 (hg19) VCF-style: chr16-23647394-TG-T.
Other names: c.412del, p.Gln138fs (NM_001407296.1); c.472del, p.Gln158fs (NM_001407297.1, NM_001407298.1, NM_001407299.1 and 3 more transcripts); c.-414del (NM_001407304.1, NM_001407305.1, NM_001407306.1 and 5 more transcripts); c.48+5036del (NM_001407314.1); c.-105+5036del (NM_001407313.1, NM_001407312.1); short protein forms Q158fs, Q138fs.
Identifiers: ClinVar variation 2567559 (VCV002567559.2), dbSNP rs771665040, ClinGen allele CA7963790.

ClinVar aggregate classification (germline): Pathogenic (1 of 4 stars; one submission).

Conditions:
Hereditary cancer-predisposing syndrome. Also called: Hereditary neoplastic syndrome; Hereditary Cancer Syndrome; Neoplastic Syndromes, Hereditary; Tumor predisposition. Identifiers: Orphanet 140162, MedGen C0027672, MeSH D009386, MONDO:0015356.

Allele frequency attached by ClinVar (database versions not stated): ExAC 0.00001.

Submission:

Ambry Genetics
Classification: Pathogenic for Hereditary cancer-predisposing syndrome. Last evaluated: 2023-04-17. Review status: criteria provided, single submitter. Criteria: Ambry Variant Classification Scheme 2023. Collection method: clinical testing. Allele origin: germline.
Comment: The c.472delC pathogenic mutation, located in coding exon 4 of the PALB2 gene, results from a deletion of one nucleotide at nucleotide position 472, causing a translational frameshift with a predicted alternate stop codon (p.Q158Rfs*19). This alteration was detected in a cohort of Chinese breast cancer patients and Chinese pancreatic cancer patients (Zhou J et al. Cancer, 2020 Jul;126:3202-3208; Xiong A et al. Am J Cancer Res, 2021 Sep;11:4551-4567). In addition to the clinical data presented in the literature, this alteration is expected to result in loss of function by premature protein truncation or nonsense-mediated mRNA decay. This variant is considered to be rare based on population cohorts in the Genome Aggregation Database (gnomAD). As such, this alteration is interpreted as a disease-causing mutation.

Literature cited by the submitters: PubMed 32339256; PubMed 34659905.